The following is an entry in ClinVar:

ClinVar aggregate classification (germline): Uncertain significance (1 of 4 stars; one submission).

Conditions:
Familial adenomatous polyposis 1 (FAP1). Also called: FAMILIAL ADENOMATOUS POLYPOSIS 1, ATTENUATED; POLYPOSIS, ADENOMATOUS INTESTINAL. Identifiers: MedGen C2713442, MONDO:0021056, OMIM 175100. Disease mechanism: loss of function.

Submission:

Labcorp Genetics (formerly Invitae), Labcorp
Classification: Uncertain significance for Familial adenomatous polyposis 1. Last evaluated: 2023-08-19. Review status: criteria provided, single submitter. Criteria: Invitae Variant Classification Sherloc (09022015). Collection method: clinical testing. Allele origin: germline.
Comment: In summary, the available evidence is currently insufficient to determine the role of this variant in disease. Therefore, it has been classified as a Variant of Uncertain Significance. Experimental studies and prediction algorithms are not available or were not evaluated, and the functional significance of this variant is currently unknown. This variant has not been reported in the literature in individuals affected with APC-related conditions. This variant is not present in population databases (gnomAD no frequency). This variant occurs in a non-coding region of the APC gene. It does not change the encoded amino acid sequence of the APC protein.

NC_000005.10:g.112707430A>G

Gene: APC (APC regulator of Wnt signaling pathway; plus strand). Cytogenetic location: 5q22.2.
Variant type: single nucleotide variant.
Genome position: GRCh38 VCF-style: chr5-112707430-A-G. GRCh37 (hg19) VCF-style: chr5-112043127-A-G.
Identifiers: ClinVar variation 1391789 (VCV001391789.6), dbSNP rs2149628674, ClinGen allele CA2573138759.